The following is an entry in ClinVar:

ClinVar aggregate classification (germline): Uncertain significance. Review status: criteria provided, single submitter (1 of 4 stars). 2 submissions from 2 submitters: Uncertain significance (1). 1 of the submissions does not count toward it. Last evaluated 2025-02-06.

Conditions:
Bartter syndrome. Identifiers: Orphanet 112, MedGen C0004775, MONDO:0015231.

Allele frequency attached by ClinVar (database versions not stated): gnomAD exomes below 0.00001; TOPMed below 0.00001.
gnomAD v4.1: 5 of 1,614,194 alleles (0.00031%); highest among the groups gnomAD compares: Non-Finnish European, 0.00042%; no homozygotes.

Submissions (2):

GeneDx
Classification: Uncertain significance. Last evaluated: 2025-02-06. Review status: criteria provided, single submitter. Criteria: GeneDx Variant Classification Process June 2021. Collection method: clinical testing. Allele origin: germline. Affected: yes.
Comment: Not observed at significant frequency in large population cohorts (gnomAD); In silico analysis supports that this missense variant has a deleterious effect on protein structure/function; Has not been previously published as pathogenic or benign to our knowledge

Natera, Inc.
Classification: Uncertain significance for Bartter syndrome. Last evaluated: 2020-03-01. Review status: no assertion criteria provided. Collection method: clinical testing. Allele origin: germline. Not counted in ClinVar's aggregate classification.

NM_057176.3(BSND):c.572C>T (p.Pro191Leu)

Gene: BSND (barttin CLCNK type accessory subunit beta; plus strand). Cytogenetic location: 1p32.3.
Variant type: single nucleotide variant.
Coding change: c.572C>T on transcript NM_057176.3 (MANE Select); coding-DNA position 572, C replaced by T.
Protein change: p.Pro191Leu; replaces proline 191 with leucine.
Molecular consequence: missense variant.
Genome position (GRCh38, 1-based): chr1:55,008,237, C>T. VCF-style: chr1-55008237-C-T. GRCh37 (hg19) VCF-style: chr1-55473910-C-T.
Other names: short protein forms P191L.
Identifiers: ClinVar variation 432478 (VCV000432478.4), dbSNP rs1184835309, ClinGen allele CA340477775.